The following is an entry in ClinVar:

NM_000916.4(OXTR):c.409C>A (p.Arg137Ser)

Gene: OXTR (oxytocin receptor; minus strand). Cytogenetic location: 3p25.3.
Variant type: single nucleotide variant.
Coding change: c.409C>A on transcript NM_000916.4 (MANE Select); coding-DNA position 409, C replaced by A.
Protein change: p.Arg137Ser; replaces arginine 137 with serine.
Molecular consequence: missense variant.
Genome position (GRCh38, 1-based): chr3:8,767,779, G>T on the plus strand (C>A on the coding strand, the complement: OXTR is on the minus strand). VCF-style: chr3-8767779-G-T. GRCh37 (hg19) VCF-style: chr3-8809465-G-T.
Other names: c.409C>A, p.Arg137Ser (NM_001354653.2, NM_001354654.2, NM_001354655.2 and 1 more transcripts); short protein forms R137S.
Identifiers: ClinVar variation 3251885 (VCV003251885.1), dbSNP rs1338320549.
Genomic context (GRCh38, chr3:8,767,779, plus strand): 5'-CTGCCAGGCGGTCGGTGCGGCGGCGCAGCGAGCGCAGCGGCTGGCAGATGGCCAGGCAGC[G>T]GTCCAGGGACATGAGCAGCAGCAGGTAGGTGGAGGCGAACATGCCCACCACCTGCAAGTA-3'
Protein context (NP_000907.2, residues 127-147): TYLLLLMSLD[Arg137Ser]CLAICQPLRS

ClinVar aggregate classification (germline): Uncertain significance (1 of 4 stars; one submission).

gnomAD v4.1: 4 of 1,606,106 alleles (0.00025%); highest among the groups gnomAD compares: Non-Finnish European, 0.00034%; no homozygotes.

Submission:

Women's Health and Genetics/Laboratory Corporation of America, LabCorp
Classification: Uncertain significance. Last evaluated: 2024-04-18. Review status: criteria provided, single submitter. Criteria: LabCorp Variant Classification Summary - May 2015. Collection method: clinical testing. Allele origin: germline.
Comment: Variant summary: OXTR c.409C>A (p.Arg137Ser) results in a non-conservative amino acid change located in the GPCR, rhodopsin-like, 7TM (IPR017452) of the encoded protein sequence. Five of five in-silico tools predict a damaging effect of the variant on protein function. The variant allele was found at a frequency of 4.3e-06 in 231258 control chromosomes. The available data on variant occurrences in the general population are insufficient to allow any conclusion about variant significance. To our knowledge, no occurrence of c.409C>A in individuals affected with OXTR-Related Disorders and no experimental evidence demonstrating its impact on protein function have been reported. No submitters have cited clinical-significance assessments for this variant to ClinVar. Based on the evidence outlined above, the variant was classified as uncertain significance.